The following is an entry in ClinVar:

NM_017514.5(PLXNA3):c.3640C>G (p.Arg1214Gly)

Gene: PLXNA3 (plexin A3; plus strand). Cytogenetic location: Xq28.
Variant type: single nucleotide variant.
Coding change: c.3640C>G on transcript NM_017514.5 (MANE Select); coding-DNA position 3640, C replaced by G.
Protein change: p.Arg1214Gly; replaces arginine 1214 with glycine.
Molecular consequence: missense variant.
Genome position (GRCh38, 1-based): chrX:154,467,821, C>G. VCF-style: chrX-154467821-C-G. GRCh37 (hg19) VCF-style: chrX-153696164-C-G.
Other names: short protein forms R1214G.
Identifiers: ClinVar variation 4985352 (VCV004985352.1).

ClinVar aggregate classification (germline): Uncertain significance (1 of 4 stars; one submission).

Conditions:
PLXNA3-related disorder. Also called: PLXNA3-related condition.

gnomAD v4.1: 5 of 1,204,690 alleles (0.00042%); highest among the groups gnomAD compares: Admixed American, 0.011%; no homozygotes.

Submission:

PreventionGenetics, part of Exact Sciences
Classification: Uncertain significance for PLXNA3-related condition. Last evaluated: 2025-12-15. Review status: criteria provided, single submitter. Criteria: ACMG Guidelines, 2015. Collection method: clinical testing. Allele origin: germline.
Comment: The PLXNA3 c.3640C>G variant is predicted to result in the amino acid substitution p.Arg1214Gly. To our knowledge, this variant has not been reported in the literature. This variant is reported in 0.015% of alleles in individuals of Latino descent in gnomAD. At this time, the clinical significance of this variant is uncertain due to the absence of conclusive functional and genetic evidence.